The following is an entry in ClinVar:

ClinVar aggregate classification (germline): Uncertain significance (1 of 4 stars; one submission).

Conditions:
Niemann-Pick disease, type B. Also called: Chronic Visceral ASMD (Niemann-Pick Disease Type B; NPD-B). Identifiers: Orphanet 77293, MedGen C0268243, MONDO:0011871, OMIM 607616. Disease mechanism: loss of function.
Niemann-Pick disease, type A. Also called: SPHINGOMYELIN LIPIDOSIS; SPHINGOMYELINASE DEFICIENCY; Infantile Neurovisceral ASMD (Niemann-Pick Disease Type A; NPD-A). Identifiers: Orphanet 77292, MedGen C0268242, MONDO:0009756, OMIM 257200. Disease mechanism: loss of function.

Allele frequency attached by ClinVar (database versions not stated): TOPMed 0.00001.

Submission:

Labcorp Genetics (formerly Invitae), Labcorp
Classification: Uncertain significance for Niemann-Pick disease, type B; Niemann-Pick disease, type A. Last evaluated: 2022-08-09. Review status: criteria provided, single submitter. Criteria: Invitae Variant Classification Sherloc (09022015). Collection method: clinical testing. Allele origin: germline.
Comment: This sequence change replaces proline, which is neutral and non-polar, with leucine, which is neutral and non-polar, at codon 190 of the SMPD1 protein (p.Pro190Leu). The frequency data for this variant in the population databases is considered unreliable, as metrics indicate poor data quality at this position in the gnomAD database. This variant has not been reported in the literature in individuals affected with SMPD1-related conditions. Advanced modeling of protein sequence and biophysical properties (such as structural, functional, and spatial information, amino acid conservation, physicochemical variation, residue mobility, and thermodynamic stability) performed at Invitae indicates that this missense variant is expected to disrupt SMPD1 protein function. In summary, the available evidence is currently insufficient to determine the role of this variant in disease. Therefore, it has been classified as a Variant of Uncertain Significance.

NM_000543.5(SMPD1):c.569C>T (p.Pro190Leu)

Gene: SMPD1 (sphingomyelin phosphodiesterase 1; plus strand). Cytogenetic location: 11p15.4.
Variant type: single nucleotide variant.
Coding change: c.569C>T on transcript NM_000543.5 (MANE Select); coding-DNA position 569, C replaced by T.
Protein change: p.Pro190Leu; replaces proline 190 with leucine.
Molecular consequence: missense variant. On other transcripts: 5 prime UTR variant (1), non-coding transcript variant (1).
Genome position (GRCh38, 1-based): chr11:6,391,634, C>T. VCF-style: chr11-6391634-C-T. GRCh37 (hg19) VCF-style: chr11-6412864-C-T.
Other names: c.566C>T, p.Pro189Leu (NM_001007593.3); c.569C>T, p.Pro190Leu (NM_001318087.2, NM_001365135.2); c.-393C>T (NM_001318088.2); short protein forms P190L, P189L.
Identifiers: ClinVar variation 2144929 (VCV002144929.1), dbSNP rs766240926, ClinGen allele CA5852633.